The following is an entry in ClinVar:

ClinVar aggregate classification (germline): Likely pathogenic. Review status: criteria provided, single submitter (1 of 4 stars). 2 submissions from 2 submitters: Likely pathogenic (1). 1 of the submissions does not count toward it. Last evaluated 2025-01-22.

Conditions:
3M syndrome 3. Also called: THREE M SYNDROME 3; 3-M Syndrome, CCDC8-Related. Identifiers: Orphanet 2616, MedGen C3280146, MONDO:0013627, OMIM 614205.

Submissions (2):

Labcorp Genetics (formerly Invitae), Labcorp
Classification: Likely pathogenic. Last evaluated: 2025-01-22. Review status: criteria provided, single submitter. Criteria: Invitae Variant Classification Sherloc (09022015). Collection method: clinical testing. Allele origin: germline.
Comment: This sequence change creates a premature translational stop signal (p.Lys205Glufs*59) in the CCDC8 gene. While this is not anticipated to result in nonsense mediated decay, it is expected to disrupt the last 334 amino acid(s) of the CCDC8 protein. This variant is present in population databases (rs752254407, gnomAD 0.01%). This premature translational stop signal has been observed in individuals with 3-M syndrome (PMID: 21737058, 23018678, 28675896). ClinVar contains an entry for this variant (Variation ID: 31104). In summary, the currently available evidence indicates that the variant is pathogenic, but additional data are needed to prove that conclusively. Therefore, this variant has been classified as Likely Pathogenic.

OMIM
Classification: Pathogenic for THREE M SYNDROME 3. Last evaluated: 2011-07-15. Review status: no assertion criteria provided. Collection method: literature only. Allele origin: germline. Not counted in ClinVar's aggregate classification.

Literature cited by the submitters: PubMed 21737058 (cited by Labcorp Genetics (formerly Invitae), Labcorp and OMIM); PubMed 23018678 (cited by Labcorp Genetics (formerly Invitae), Labcorp); PubMed 28675896 (cited by Labcorp Genetics (formerly Invitae), Labcorp and OMIM).

NM_032040.5(CCDC8):c.612dup (p.Lys205fs)

Gene: CCDC8 (coiled-coil domain containing 8 subunit of 3M complex; minus strand). Cytogenetic location: 19q13.32.
Variant type: Duplication.
Coding change: c.612dup on transcript NM_032040.5 (MANE Select); coding-DNA position 612, one base duplicated (G; older notation c.612dupG).
Protein change: p.Lys205fs; shifts the reading frame from lysine 205.
Molecular consequence: frameshift variant.
Genome position (GRCh38, 1-based): chr19:46,412,199, C duplicated on the plus strand (G on the coding strand, the reverse complement: CCDC8 is on the minus strand); the first of 5 consecutive C bases (chr19:46,412,199-46,412,203); duplicating any one gives the same sequence. VCF-style (leftmost placement, unchanged base first): chr19-46412198-T-TC. GRCh37 (hg19) VCF-style: chr19-46915455-T-TC.
Other names: short protein forms K205fs.
Identifiers: ClinVar variation 31104 (VCV000031104.4), dbSNP rs752254407, ClinGen allele CA9528679.